The following is an entry in ClinVar:

ClinVar aggregate classification (germline): Pathogenic (1 of 4 stars; one submission).

Conditions:
Developmental and epileptic encephalopathy, 9 (DEE9). Also called: Early infantile epileptic encephalopathy 9; JUBERG-HELLMAN SYNDROME; EPILEPSY, FEMALE-RESTRICTED, WITH MENTAL RETARDATION; PCDH19-Related X-Linked Female-Limited Epilepsy with Mental Retardation. Identifiers: Orphanet 101039, Orphanet 2076, MedGen C1848137, MONDO:0010246, OMIM 300088. Disease mechanism: loss of function.

Submission:

Labcorp Genetics (formerly Invitae), Labcorp
Classification: Pathogenic for Developmental and epileptic encephalopathy, 9. Last evaluated: 2024-10-23. Review status: criteria provided, single submitter. Criteria: Invitae Variant Classification Sherloc (09022015). Collection method: clinical testing. Allele origin: germline.
Comment: This sequence change creates a premature translational stop signal (p.Glu189Asnfs*23) in the PCDH19 gene. It is expected to result in an absent or disrupted protein product. Loss-of-function variants in PCDH19 are known to be pathogenic (PMID: 21053371). This variant is not present in population databases (gnomAD no frequency). This variant has not been reported in the literature in individuals affected with PCDH19-related conditions. ClinVar contains an entry for this variant (Variation ID: 935578). For these reasons, this variant has been classified as Pathogenic.

Literature cited by the submitters: PubMed 21053371.

NM_001184880.2(PCDH19):c.564del (p.Glu189fs)

Gene: PCDH19 (protocadherin 19; minus strand). Cytogenetic location: Xq22.1.
Variant type: Deletion.
Coding change: c.564del on transcript NM_001184880.2 (MANE Select); coding-DNA position 564, one base deleted (C; older notation c.564delC).
Protein change: p.Glu189fs; shifts the reading frame from glutamic acid 189.
Molecular consequence: frameshift variant.
Genome position (GRCh38, 1-based): chrX:100,408,034, G deleted on the plus strand (C on the coding strand, the reverse complement: PCDH19 is on the minus strand); the first of 2 consecutive G bases (chrX:100,408,034-100,408,035); deleting either gives the same sequence. VCF-style (leftmost placement, unchanged base first): chrX-100408033-CG-C. GRCh37 (hg19) VCF-style: chrX-99663031-CG-C.
Other names: c.564del, p.Glu189fs (NM_001105243.2, NM_020766.3); short protein forms E189fs.
Identifiers: ClinVar variation 935578 (VCV000935578.8), dbSNP rs1928449770, ClinGen allele CA1139667694.